The following is an entry in ClinVar:

NM_006231.4(POLE):c.4005+7A>G

Gene: POLE (DNA polymerase epsilon, catalytic subunit; minus strand). Cytogenetic location: 12q24.33.
Variant type: single nucleotide variant.
Coding change: c.4005+7A>G on transcript NM_006231.4 (MANE Select); 7 bases into the intron after coding-DNA position 4005, A replaced by G.
Molecular consequence: intron variant.
Genome position (GRCh38, 1-based): chr12:132,649,299, T>C on the plus strand (A>G on the coding strand, the complement: POLE is on the minus strand). VCF-style: chr12-132649299-T-C. GRCh37 (hg19) VCF-style: chr12-133225885-T-C.
Identifiers: ClinVar variation 390248 (VCV000390248.13), dbSNP rs372329585, ClinGen allele CA6893034.
Genomic context (GRCh38, chr12:132,649,299, plus strand): 5'-CAGCTGGACACCCCCTCCCTGGGCCATCAGCAGAGCCACTGCCCTCCCCTTGGATCAAGG[T>C]CTATACCTGCACAATCTGCCACGGAAGGTCCAGGATGCTGCGGGCAGTTCTTCGCAAGAA-3'

ClinVar aggregate classification (germline): Likely benign. Review status: criteria provided, multiple submitters, no conflicts (2 of 4 stars). 3 submissions from 3 submitters: Likely benign (3). Last evaluated 2025-11-10.

Allele frequency attached by ClinVar (database versions not stated): gnomAD 0.00001; gnomAD exomes 0.00001 and 0.00002; TOPMed 0.00002; ExAC 0.00003; ESP Exome Variant Server 0.00008.
gnomAD v4.1: 9 of 1,613,018 alleles (0.00056%); highest among the groups gnomAD compares: Non-Finnish European, 0.00076%; no homozygotes.

Submissions (3):

Labcorp Genetics (formerly Invitae), Labcorp
Classification: Likely benign. Last evaluated: 2025-11-10. Review status: criteria provided, single submitter. Criteria: Invitae Variant Classification Sherloc (09022015). Collection method: clinical testing. Allele origin: germline.

Center for Genomic Medicine, Rigshospitalet, Copenhagen University Hospital
Classification: Likely benign. Last evaluated: 2025-03-04. Review status: criteria provided, single submitter. Criteria: ACMG Guidelines, 2015. Collection method: clinical testing. Allele origin: germline.

GeneDx
Classification: Likely benign. Last evaluated: 2016-10-20. Review status: criteria provided, single submitter. Criteria: GeneDx Variant Classification (06012015). Collection method: clinical testing. Allele origin: germline. Affected: yes.
Comment: This variant is considered likely benign or benign based on one or more of the following criteria: it is a conservative change, it occurs at a poorly conserved position in the protein, it is predicted to be benign by multiple in silico algorithms, and/or has population frequency not consistent with disease.